The following is an entry in ClinVar:

NM_014049.5(ACAD9):c.517del (p.Glu173fs)

Gene: ACAD9 (acyl-CoA dehydrogenase family member 9; plus strand). Cytogenetic location: 3q21.3.
Variant type: Deletion.
Coding change: c.517del on transcript NM_014049.5 (MANE Select); coding-DNA position 517, one base deleted (G; older notation c.517delG).
Protein change: p.Glu173fs; shifts the reading frame from glutamic acid 173.
Molecular consequence: frameshift variant. On other transcripts: non-coding transcript variant (1).
Genome position (GRCh38, 1-based): chr3:128,896,499, G deleted; the last of 4 consecutive G bases (chr3:128,896,496-128,896,499); deleting any one gives the same sequence. VCF-style (leftmost placement, unchanged base first): chr3-128896495-CG-C. GRCh37 (hg19) VCF-style: chr3-128615338-CG-C.
Other names: c.517delG (NM_014049.4); c.148delG, p.Glu50Serfs (NM_001410805.1); short protein forms E173fs.
Identifiers: ClinVar variation 1952491 (VCV001952491.7), dbSNP rs2529257814, ClinGen allele CA2580068708.
Genomic context (GRCh38, chr3:128,896,495, plus strand): 5'-GGGGATCATCTTGGCTGGCACTGAGGAGCAGAAAGCCAAATACTTGCCTAAACTGGCGTC[CG>C]GGGAGCACATTGCAGCCTTCTGCCTCACGGAGCCAGCCAGGTCTGTCTCTGCACAAAACG-3'

ClinVar aggregate classification (germline): Pathogenic/Likely pathogenic. Review status: criteria provided, multiple submitters, no conflicts (2 of 4 stars). 2 submissions from 2 submitters: Pathogenic (1); Likely pathogenic (1). Last evaluated 2025-02-07.

Conditions:
Acyl-CoA dehydrogenase 9 deficiency. Also called: Acyl-CoA dehydrogenase family, member 9, deficiency of; MITOCHONDRIAL COMPLEX I DEFICIENCY, NUCLEAR TYPE 20. Identifiers: Orphanet 99901, MedGen C4747517, MONDO:0012624, OMIM 611126.

Submissions (2):

Natera, Inc.
Classification: Likely pathogenic for ACAD9 deficiency. Last evaluated: 2025-02-07. Review status: criteria provided, single submitter. Criteria: Natera Variant Classification Schema (03/2026). Collection method: clinical testing. Allele origin: germline.
Comment: The c.517delG variant in ACAD9 is a frameshift variant predicted to shift the reading frame beginning at codon 173 and leads to a stop codon 26 codons downstream. This variant is expected to result in nonsense mediated decay, truncation, or a dysfunctional protein product. This variant is rare in the general population with a frequency below the threshold expected for the associated phenotype(s). Given the available evidence, this variant is classified as Likely Pathogenic.

Labcorp Genetics (formerly Invitae), Labcorp
Classification: Pathogenic. Last evaluated: 2024-04-29. Review status: criteria provided, single submitter. Criteria: Invitae Variant Classification Sherloc (09022015). Collection method: clinical testing. Allele origin: germline.
Comment: This sequence change creates a premature translational stop signal (p.Glu173Serfs*26) in the ACAD9 gene. It is expected to result in an absent or disrupted protein product. Loss-of-function variants in ACAD9 are known to be pathogenic (PMID: 25721401). This variant is not present in population databases (gnomAD no frequency). This variant has not been reported in the literature in individuals affected with ACAD9-related conditions. ClinVar contains an entry for this variant (Variation ID: 1952491). For these reasons, this variant has been classified as Pathogenic.

Literature cited by the submitters: PubMed 25721401 (cited by Labcorp Genetics (formerly Invitae), Labcorp).